The following is an entry in ClinVar:

ClinVar aggregate classification (germline): Uncertain significance (1 of 4 stars; one submission).

Conditions:
Fanconi anemia (FA). Also called: Fanconi's anemia. Identifiers: Orphanet 84, MedGen C0015625, MeSH D005199, MONDO:0019391.

Submission:

Labcorp Genetics (formerly Invitae), Labcorp
Classification: Uncertain significance for Fanconi anemia. Last evaluated: 2022-12-14. Review status: criteria provided, single submitter. Criteria: Invitae Variant Classification Sherloc (09022015). Collection method: clinical testing. Allele origin: germline.
Comment: This variant is not present in population databases (gnomAD no frequency). In summary, the available evidence is currently insufficient to determine the role of this variant in disease. Therefore, it has been classified as a Variant of Uncertain Significance. Advanced modeling of protein sequence and biophysical properties (such as structural, functional, and spatial information, amino acid conservation, physicochemical variation, residue mobility, and thermodynamic stability) performed at Invitae indicates that this missense variant is expected to disrupt FANCI protein function. This variant has not been reported in the literature in individuals affected with FANCI-related conditions. This sequence change replaces proline, which is neutral and non-polar, with leucine, which is neutral and non-polar, at codon 644 of the FANCI protein (p.Pro644Leu).

NM_001113378.2(FANCI):c.1931C>T (p.Pro644Leu)

Gene: FANCI (FA complementation group I; plus strand). Cytogenetic location: 15q26.1.
Variant type: single nucleotide variant.
Coding change: c.1931C>T on transcript NM_001113378.2 (MANE Select); coding-DNA position 1931, C replaced by T.
Protein change: p.Pro644Leu; replaces proline 644 with leucine.
Molecular consequence: missense variant.
Genome position (GRCh38, 1-based): chr15:89,291,653, C>T. VCF-style: chr15-89291653-C-T. GRCh37 (hg19) VCF-style: chr15-89834884-C-T.
Other names: c.1652C>T, p.Pro551Leu (NM_001376910.1); c.1931C>T, p.Pro644Leu (NM_001376911.1, NM_018193.3); short protein forms P551L, P644L.
Identifiers: ClinVar variation 2820830 (VCV002820830.3), dbSNP rs2507356081, ClinGen allele CA393748709.